The following is an entry in ClinVar:

ClinVar aggregate classification (germline): Uncertain significance (1 of 4 stars; one submission).

gnomAD v4.1: 9 of 1,614,020 alleles (0.00056%); highest among the groups gnomAD compares: Non-Finnish European, 0.00059%; no homozygotes.

Submission:

Ambry Genetics
Classification: Uncertain significance. Last evaluated: 2026-09-10. Review status: criteria provided, single submitter. Criteria: Ambry Variant Classification Scheme 2023. Collection method: clinical testing. Allele origin: germline.
Comment: The c.1075G>C (p.D359H) alteration is located in exon 9 (coding exon 9) of the TCP1 gene. This alteration results from a G to C substitution at nucleotide position 1075, causing the aspartic acid (D) at amino acid position 359 to be replaced by a histidine (H). Based on data from gnomAD, the C allele has an overall frequency of <0.001% (1/251170) total alleles studied. The highest observed frequency was <0.001% (/) of alleles. Based on insufficient or conflicting evidence, the clinical significance of this alteration remains unclear.

NM_030752.3(TCP1):c.1075G>C (p.Asp359His)

Gene: TCP1 (t-complex 1; minus strand). Cytogenetic location: 6q25.3.
Variant type: single nucleotide variant.
Coding change: c.1075G>C on transcript NM_030752.3 (MANE Select); coding-DNA position 1075, G replaced by C.
Protein change: p.Asp359His; replaces aspartic acid 359 with histidine.
Molecular consequence: missense variant.
Genome position (GRCh38, 1-based): chr6:159,780,465, C>G on the plus strand (G>C on the coding strand, the complement: TCP1 is on the minus strand). VCF-style: chr6-159780465-C-G. GRCh37 (hg19) VCF-style: chr6-160201497-C-G.
Other names: c.610G>C, p.Asp204His (NM_001008897.2); short protein forms D359H, D204H.
Identifiers: ClinVar variation 3175328 (VCV003175328.2), dbSNP rs1471634057, ClinGen allele CA366317202.